The following is an entry in ClinVar:

ClinVar aggregate classification (germline): Uncertain significance (0 of 4 stars; one submission).

Conditions:
LZTR1-related disorder. Also called: LZTR1-related disorders; LZTR1-related condition.

Submission:

PreventionGenetics, part of Exact Sciences
Classification: Uncertain significance for LZTR1-related condition. Last evaluated: 2023-11-27. Review status: no assertion criteria provided. Collection method: clinical testing. Allele origin: germline.
Comment: The LZTR1 c.525G>C variant is predicted to result in the amino acid substitution p.Arg175Ser. To our knowledge, this variant has not been reported in the literature or in a large population database, indicating this variant is rare. At this time, the clinical significance of this variant is uncertain due to the absence of conclusive functional and genetic evidence.

NM_006767.4(LZTR1):c.525G>C (p.Arg175Ser)

Gene: LZTR1 (leucine zipper like post translational regulator 1; plus strand). Cytogenetic location: 22q11.21.
Variant type: single nucleotide variant.
Coding change: c.525G>C on transcript NM_006767.4 (MANE Select); coding-DNA position 525, G replaced by C.
Protein change: p.Arg175Ser; replaces arginine 175 with serine.
Molecular consequence: missense variant.
Genome position (GRCh38, 1-based): chr22:20,988,804, G>C. VCF-style: chr22-20988804-G-C. GRCh37 (hg19) VCF-style: chr22-21343093-G-C.
Other names: short protein forms R175S.
Identifiers: ClinVar variation 3030477 (VCV003030477.2), dbSNP rs566312604, ClinGen allele CA410780105.